The following is an entry in ClinVar:

NM_001365951.3(KIF1B):c.2609G>A (p.Ser870Asn)

Gene: KIF1B (kinesin family member 1B; plus strand). Cytogenetic location: 1p36.22.
Variant type: single nucleotide variant.
Coding change: c.2609G>A on transcript NM_001365951.3 (MANE Select); coding-DNA position 2609, G replaced by A.
Protein change: p.Ser870Asn; replaces serine 870 with asparagine.
Molecular consequence: missense variant.
Genome position (GRCh38, 1-based): chr1:10,324,829, G>A. VCF-style: chr1-10324829-G-A. GRCh37 (hg19) VCF-style: chr1-10384887-G-A.
Other names: c.2609G>A, p.Ser870Asn (NM_001365952.1); c.2471G>A, p.Ser824Asn (NM_015074.3); short protein forms S824N, S870N.
Identifiers: ClinVar variation 543214 (VCV000543214.12), dbSNP rs1553167616, ClinGen allele CA338335676.
Genomic context (GRCh38, chr1:10,324,829, plus strand): 5'-ATTTGATGCGAGAGATGTATGATAGGGCAGGGGAGATGGCCTCCAGTGCCCAAGACGAAA[G>A]CGAAACCACTGTGACTGGCAGCGATCCCTTCTATGATCGGTTCCACTGGTTCAAACTTGT-3'
Protein context (NP_001352880.1, residues 860-880): GEMASSAQDE[Ser870Asn]ETTVTGSDPF

ClinVar aggregate classification (germline): Conflicting classifications of pathogenicity. Review status: criteria provided, conflicting classifications (1 of 4 stars). 2 submissions from 2 submitters: Uncertain significance (1); Likely benign (1). Last evaluated 2024-01-11.

Conditions:
Charcot-Marie-Tooth disease type 2. Also called: Charcot-Marie-Tooth type 2. Identifiers: Orphanet 64746, MedGen C0270914, MONDO:0018993.

Allele frequency attached by ClinVar (database versions not stated): TOPMed 0.00001.

Submissions (2):

Ambry Genetics
Classification: Likely benign. Last evaluated: 2024-01-11. Review status: criteria provided, single submitter. Criteria: Ambry Variant Classification Scheme 2023. Collection method: clinical testing. Allele origin: germline.

Labcorp Genetics (formerly Invitae), Labcorp
Classification: Uncertain significance for Charcot-Marie-Tooth disease type 2. Last evaluated: 2018-11-01. Review status: criteria provided, single submitter. Criteria: Invitae Variant Classification Sherloc (09022015). Collection method: clinical testing. Allele origin: germline.
Comment: In summary, the available evidence is currently insufficient to determine the role of this variant in disease. Therefore, it has been classified as a Variant of Uncertain Significance. Algorithms developed to predict the effect of missense changes on protein structure and function (SIFT, PolyPhen-2, Align-GVGD) all suggest that this variant is likely to be tolerated, but these predictions have not been confirmed by published functional studies and their clinical significance is uncertain. This variant has not been reported in the literature in individuals with KIF1B-related disease. This variant is not present in population databases (ExAC no frequency). This sequence change replaces serine with asparagine at codon 824 of the KIF1B protein (p.Ser824Asn). The serine residue is weakly conserved and there is a small physicochemical difference between serine and asparagine.